The following is an entry in ClinVar:

NM_017534.6(MYH2):c.3283A>C (p.Asn1095His)

Genes: MYH2 (myosin heavy chain 2; minus strand), MYHAS (myosin heavy chain gene cluster antisense RNA; plus strand). Cytogenetic location: 17p13.1.
Variant type: single nucleotide variant.
Coding change: c.3283A>C on transcript NM_017534.6 (MANE Select); coding-DNA position 3283, A replaced by C.
Protein change: p.Asn1095His; replaces asparagine 1095 with histidine.
Molecular consequence: missense variant.
Genome position (GRCh38, 1-based): chr17:10,529,233, T>G on the plus strand (A>C on the coding strand, the complement: MYH2 is on the minus strand). VCF-style: chr17-10529233-T-G. GRCh37 (hg19) VCF-style: chr17-10432550-T-G.
Other names: c.3283A>C, p.Asn1095His (NM_001100112.2); short protein forms N1095H.
Identifiers: ClinVar variation 2009280 (VCV002009280.4), dbSNP rs1567729968, ClinGen allele CA398137417.

ClinVar aggregate classification (germline): Uncertain significance (1 of 4 stars; one submission).

Conditions:
Myopathy, proximal, and ophthalmoplegia (CMYO6). Also called: CONGENITAL MYOPATHY 6 WITH OPHTHALMOPLEGIA; INCLUSION BODY MYOPATHY 3, AUTOSOMAL DOMINANT; MYOPATHY WITH CONGENITAL JOINT CONTRACTURES, OPHTHALMOPLEGIA, AND RIMMED VACUOLES. Identifiers: Orphanet 363677, Orphanet 79091, MedGen C1854106, MONDO:0011577, OMIM 605637.

Submission:

Labcorp Genetics (formerly Invitae), Labcorp
Classification: Uncertain significance for Myopathy, proximal, and ophthalmoplegia. Last evaluated: 2022-07-06. Review status: criteria provided, single submitter. Criteria: Invitae Variant Classification Sherloc (09022015). Collection method: clinical testing. Allele origin: germline.
Comment: In summary, the available evidence is currently insufficient to determine the role of this variant in disease. Therefore, it has been classified as a Variant of Uncertain Significance. This sequence change replaces asparagine, which is neutral and polar, with histidine, which is basic and polar, at codon 1095 of the MYH2 protein (p.Asn1095His). This variant is not present in population databases (gnomAD no frequency). This variant has not been reported in the literature in individuals affected with MYH2-related conditions. Algorithms developed to predict the effect of missense changes on protein structure and function are either unavailable or do not agree on the potential impact of this missense change (SIFT: "Deleterious"; PolyPhen-2: "Benign"; Align-GVGD: "Class C0").